The following is an entry in ClinVar:

NM_001999.4(FBN2):c.2945G>T (p.Cys982Phe)

Gene: FBN2 (fibrillin 2; minus strand). Cytogenetic location: 5q23.3.
Variant type: single nucleotide variant.
Coding change: c.2945G>T on transcript NM_001999.4 (MANE Select); coding-DNA position 2945, G replaced by T.
Protein change: p.Cys982Phe; replaces cysteine 982 with phenylalanine.
Molecular consequence: missense variant.
Genome position (GRCh38, 1-based): chr5:128,349,391, C>A on the plus strand (G>T on the coding strand, the complement: FBN2 is on the minus strand). VCF-style: chr5-128349391-C-A. GRCh37 (hg19) VCF-style: chr5-127685083-C-A.
Other names: short protein forms C982F.
Identifiers: ClinVar variation 375300 (VCV000375300.8), dbSNP rs1057519321, ClinGen allele CA16044044.

ClinVar aggregate classification (germline): Conflicting classifications of pathogenicity. Review status: criteria provided, conflicting classifications (1 of 4 stars). 2 submissions from 2 submitters: Likely pathogenic (1); Uncertain significance (1). Last evaluated 2021-08-24.

Conditions:
Congenital contractural arachnodactyly (CCA). Also called: Arthrogryposis, distal, type 9; Beals-Hecht syndrome; BEALS SYNDROME. Identifiers: Orphanet 115, MedGen C0220668, MONDO:0007363, OMIM 121050.
Marfan syndrome (MFS). Also called: Marfan syndrome, classic; Marfan syndrome type 1; Marfan's syndrome; MARFAN SYNDROME, TYPE I; FBN1-Related Marfan Syndrome. Identifiers: Orphanet 284963, Orphanet 558, MedGen C0024796, MONDO:0007947, OMIM 154700.

Submissions (2):

Labcorp Genetics (formerly Invitae), Labcorp
Classification: Uncertain significance for Congenital contractural arachnodactyly. Last evaluated: 2021-08-24. Review status: criteria provided, single submitter. Criteria: Invitae Variant Classification Sherloc (09022015). Collection method: clinical testing. Allele origin: germline.
Comment: This missense change has been observed in individual(s) with clinical features of FBN2-related disease (PMID: 29501612). This variant is not present in population databases (ExAC no frequency). This sequence change replaces cysteine with phenylalanine at codon 982 of the FBN2 protein (p.Cys982Phe). The cysteine residue is moderately conserved and there is a large physicochemical difference between cysteine and phenylalanine. In summary, the available evidence is currently insufficient to determine the role of this variant in disease. Therefore, it has been classified as a Variant of Uncertain Significance. Advanced modeling of protein sequence and biophysical properties (such as structural, functional, and spatial information, amino acid conservation, physicochemical variation, residue mobility, and thermodynamic stability) performed at Invitae indicates that this missense variant is expected to disrupt FBN2 protein function. ClinVar contains an entry for this variant (Variation ID: 375300).

Diagnostics Division, CENTRE FOR DNA FINGERPRINTING AND DIAGNOSTICS
Classification: Likely pathogenic for Marfan syndrome; Congenital contractural arachnodactyly. Last evaluated: 2016-01-01. Review status: criteria provided, single submitter. Criteria: ACMG Guidelines, 2015. Collection method: research. Allele origin: unknown. Affected: yes. Observed: 1 heterozygote.
Comment: Missense variant

Literature cited by the submitters: PubMed 29501612 (cited by Labcorp Genetics (formerly Invitae), Labcorp).